The following is an entry in ClinVar:

ClinVar aggregate classification (germline): Uncertain significance (1 of 4 stars; one submission).

Conditions:
Primary ciliary dyskinesia. Also called: Ciliary dyskinesia. Identifiers: Orphanet 244, MedGen C0008780, MONDO:0016575, HP:0012265.

Submission:

Labcorp Genetics (formerly Invitae), Labcorp
Classification: Uncertain significance for Primary ciliary dyskinesia. Last evaluated: 2020-07-08. Review status: criteria provided, single submitter. Criteria: Invitae Variant Classification Sherloc (09022015). Collection method: clinical testing. Allele origin: germline.
Comment: This variant is not present in population databases (ExAC no frequency). This variant has not been reported in the literature in individuals with DNAH11-related conditions. Algorithms developed to predict the effect of missense changes on protein structure and function output the following: SIFT: "Tolerated"; PolyPhen-2: "Benign"; Align-GVGD: "Class C0". The leucine amino acid residue is found in multiple mammalian species, suggesting that this missense change does not adversely affect protein function. These predictions have not been confirmed by published functional studies and their clinical significance is uncertain. In summary, the available evidence is currently insufficient to determine the role of this variant in disease. Therefore, it has been classified as a Variant of Uncertain Significance. This sequence change replaces methionine with leucine at codon 512 of the DNAH11 protein (p.Met512Leu). The methionine residue is weakly conserved and there is a small physicochemical difference between methionine and leucine.

NM_001277115.2(DNAH11):c.1534A>C (p.Met512Leu)

Gene: DNAH11 (dynein axonemal heavy chain 11; plus strand). Cytogenetic location: 7p15.3.
Variant type: single nucleotide variant.
Coding change: c.1534A>C on transcript NM_001277115.2 (MANE Select); coding-DNA position 1534, A replaced by C.
Protein change: p.Met512Leu; replaces methionine 512 with leucine.
Molecular consequence: missense variant.
Genome position (GRCh38, 1-based): chr7:21,571,914, A>C. VCF-style: chr7-21571914-A-C. GRCh37 (hg19) VCF-style: chr7-21611532-A-C.
Other names: short protein forms M512L.
Identifiers: ClinVar variation 1009500 (VCV001009500.9), dbSNP rs1783906157, ClinGen allele CA366935984.